The following is an entry in ClinVar:

ClinVar aggregate classification (germline): Pathogenic (1 of 4 stars; one submission).

Conditions:
Torsion dystonia 6 (DYT6). Also called: DYT-THAP1. Identifiers: Orphanet 98806, MedGen C1414216, MONDO:0011264, OMIM 602629.

Submission:

Labcorp Genetics (formerly Invitae), Labcorp
Classification: Pathogenic for Torsion dystonia 6. Last evaluated: 2022-12-01. Review status: criteria provided, single submitter. Criteria: Invitae Variant Classification Sherloc (09022015). Collection method: clinical testing. Allele origin: germline.
Comment: This variant has not been reported in the literature in individuals affected with THAP1-related conditions. This variant is not present in population databases (gnomAD no frequency). This sequence change creates a premature translational stop signal (p.Lys34Thrfs*40) in the THAP1 gene. It is expected to result in an absent or disrupted protein product. Loss-of-function variants in THAP1 are known to be pathogenic (PMID: 19345147). For these reasons, this variant has been classified as Pathogenic.

Literature cited by the submitters: PubMed 19345147.

NM_018105.3(THAP1):c.100_101insCA (p.Lys34fs)

Gene: THAP1 (THAP domain containing 1; minus strand). Cytogenetic location: 8p11.21.
Variant type: Insertion.
Coding change: c.100_101insCA on transcript NM_018105.3 (MANE Select); coding-DNA positions 100 to 101, CA inserted.
Protein change: p.Lys34fs; shifts the reading frame from lysine 34.
Molecular consequence: frameshift variant. On other transcripts: intron variant (1).
Genome position: GRCh38 VCF-style: chr8-42839352-T-TTG. GRCh37 (hg19) VCF-style: chr8-42694495-T-TTG.
Other names: c.72-1017_72-1016insAC (NM_199003.2); short protein forms K34fs.
Identifiers: ClinVar variation 2816229 (VCV002816229.3), dbSNP rs2487030639, ClinGen allele CA2739279854.
Genomic context (GRCh38, chr8:42,839,352, plus strand): 5'-CAAATACTGCTATACTTGGTGGGTTTAAAGTTTTTTCTTCTGACAGCTGCCTCCCATTCT[T>TTG]TACAAAGACTGGGTCGAGTAAGAGGAAACCTAAGAAGAAGGCATAATTCAATTATCTGTC-3'